The following is an entry in ClinVar:

ClinVar aggregate classification (germline): Likely pathogenic (1 of 4 stars; one submission).

Conditions:
Hydrolethalus syndrome. Identifiers: Orphanet 2189, MedGen C2931104, MONDO:0006037.

Submission:

Natera, Inc.
Classification: Likely pathogenic for Hydrolethalus syndrome. Last evaluated: 2025-06-12. Review status: criteria provided, single submitter. Criteria: Natera Variant Classification Schema (03/2026). Collection method: clinical testing. Allele origin: germline.
Comment: The c.316_319delinsTAACAGATGAGTAACAGAT variant in HYLS1 is a deletion-insertion (delins) variant predicted to replace one or more nucleotides with a different sequence. This variant is expected to result in nonsense mediated decay, truncation, or a dysfunctional protein product. This variant is rare in the general population with a frequency below the threshold expected for the associated phenotype(s). Given the available evidence, this variant is classified as Likely Pathogenic.

NM_001134793.2(HYLS1):c.316_319delinsTAACAGATGAGTAACAGAT (p.Glu106_Val107delinsTer)

Genes: PUS3 (pseudouridine synthase 3; minus strand), HYLS1 (HYLS1 centriolar and ciliogenesis associated; plus strand). Cytogenetic location: 11q24.2.
Variant type: Indel.
Coding change: c.316_319delinsTAACAGATGAGTAACAGAT on transcript NM_001134793.2 (MANE Select); coding-DNA positions 316 to 319, GAAG replaced by TAACAGATGAGTAACAGAT.
Protein change: p.Glu106_Val107delinsTer.
Molecular consequence: nonsense. On other transcripts: intron variant (7).
Genome position (GRCh38, 1-based): chr11:125,899,684-125,899,687, GAAG replaced by TAACAGATGAGTAACAGAT. VCF-style: chr11-125899684-GAAG-TAACAGATGAGTAACAGAT. GRCh37 (hg19) VCF-style: chr11-125769579-GAAG-TAACAGATGAGTAACAGAT.
Other names: c.316_319delinsTAACAGATGAGTAACAGAT, p.Glu106_Val107delinsTer (NM_001377269.1, NM_001377270.1, NM_001424364.1 and 1 more transcripts); c.-247+3483_-247+3486delinsATCTGTTACTCATCTGTTA (NM_001271985.2); c.-46-3357_-46-3354delinsATCTGTTACTCATCTGTTA (NM_001441241.1, NM_001441239.1, NM_031307.4); c.-247+992_-247+995delinsATCTGTTACTCATCTGTTA (NM_001441238.1); c.-47+992_-47+995delinsATCTGTTACTCATCTGTTA (NM_001441240.1, NM_001441237.1).
Identifiers: ClinVar variation 4816853 (VCV004816853.1).